The following is an entry in ClinVar:

ClinVar aggregate classification (germline): Uncertain significance (1 of 4 stars; one submission).

Conditions:
Cardiovascular phenotype. Identifiers: MedGen CN230736.

Submission:

Ambry Genetics
Classification: Uncertain significance for Cardiovascular phenotype. Last evaluated: 2025-11-08. Review status: criteria provided, single submitter. Criteria: Ambry Variant Classification Scheme 2023. Collection method: clinical testing. Allele origin: germline.
Comment: The p.A372G variant (also known as c.1115C>G), located in coding exon 7 of the SPRED1 gene, results from a C to G substitution at nucleotide position 1115. The alanine at codon 372 is replaced by glycine, an amino acid with similar properties. This amino acid position is conserved. In addition, this alteration is predicted to be deleterious by in silico analysis. Based on the available evidence, the clinical significance of this variant remains unclear.

NM_152594.3(SPRED1):c.1115C>G (p.Ala372Gly)

Gene: SPRED1 (sprouty related EVH1 domain containing 1; plus strand). Cytogenetic location: 15q14.
Variant type: single nucleotide variant.
Coding change: c.1115C>G on transcript NM_152594.3 (MANE Select); coding-DNA position 1115, C replaced by G.
Protein change: p.Ala372Gly; replaces alanine 372 with glycine.
Molecular consequence: missense variant.
Genome position (GRCh38, 1-based): chr15:38,351,444, C>G. VCF-style: chr15-38351444-C-G. GRCh37 (hg19) VCF-style: chr15-38643645-C-G.
Other names: short protein forms A372G.
Identifiers: ClinVar variation 4615028 (VCV004615028.1).